The following is an entry in ClinVar:

NM_003906.5(MCM3AP):c.3610C>T (p.Arg1204Cys)

Gene: MCM3AP (minichromosome maintenance complex component 3 associated protein; minus strand). Cytogenetic location: 21q22.3.
Variant type: single nucleotide variant.
Coding change: c.3610C>T on transcript NM_003906.5 (MANE Select); coding-DNA position 3610, C replaced by T.
Protein change: p.Arg1204Cys; replaces arginine 1204 with cysteine.
Molecular consequence: missense variant.
Genome position (GRCh38, 1-based): chr21:46,259,063, G>A on the plus strand (C>T on the coding strand, the complement: MCM3AP is on the minus strand). VCF-style: chr21-46259063-G-A. GRCh37 (hg19) VCF-style: chr21-47678977-G-A.
Other names: c.3610C>T (NM_003906.3); short protein forms R1204C.
Identifiers: ClinVar variation 1926068 (VCV001926068.4), dbSNP rs769780927, ClinGen allele CA10076432.

ClinVar aggregate classification (germline): Uncertain significance. Review status: criteria provided, multiple submitters, no conflicts (2 of 4 stars). 2 submissions from 2 submitters: Uncertain significance (2). Last evaluated 2025-07-01.

Conditions:
Inborn genetic diseases. Identifiers: MedGen C0950123, MeSH D030342.

Allele frequency attached by ClinVar (database versions not stated): gnomAD exomes 0.00001; ExAC 0.00002.

Submissions (2):

Ambry Genetics
Classification: Uncertain significance for Inborn genetic diseases. Last evaluated: 2025-07-01. Review status: criteria provided, single submitter. Criteria: Ambry Variant Classification Scheme 2023. Collection method: clinical testing. Allele origin: germline.

Labcorp Genetics (formerly Invitae), Labcorp
Classification: Uncertain significance. Last evaluated: 2023-11-14. Review status: criteria provided, single submitter. Criteria: Invitae Variant Classification Sherloc (09022015). Collection method: clinical testing. Allele origin: germline.
Comment: This sequence change replaces arginine, which is basic and polar, with cysteine, which is neutral and slightly polar, at codon 1204 of the MCM3AP protein (p.Arg1204Cys). This variant is present in population databases (rs769780927, gnomAD 0.003%). This variant has not been reported in the literature in individuals affected with MCM3AP-related conditions. ClinVar contains an entry for this variant (Variation ID: 1926068). Algorithms developed to predict the effect of missense changes on protein structure and function output the following: SIFT: "Not Available"; PolyPhen-2: "Probably Damaging"; Align-GVGD: "Not Available". The cysteine amino acid residue is found in multiple mammalian species, which suggests that this missense change does not adversely affect protein function. In summary, the available evidence is currently insufficient to determine the role of this variant in disease. Therefore, it has been classified as a Variant of Uncertain Significance.